The following is an entry in ClinVar:

NM_000191.3(HMGCL):c.348+1G>C

Gene: HMGCL (3-hydroxy-3-methylglutaryl-CoA lyase; minus strand). Cytogenetic location: 1p36.11.
Variant type: single nucleotide variant.
Coding change: c.348+1G>C on transcript NM_000191.3 (MANE Select); the canonical splice donor site of the intron after coding-DNA position 348, G replaced by C.
Molecular consequence: splice donor variant.
Genome position (GRCh38, 1-based): chr1:23,816,674, C>G on the plus strand (G>C on the coding strand, the complement: HMGCL is on the minus strand). VCF-style: chr1-23816674-C-G. GRCh37 (hg19) VCF-style: chr1-24143164-C-G.
Other names: c.348+1G>C (NM_001166059.2).
Identifiers: ClinVar variation 2676028 (VCV002676028.3), dbSNP rs1322650779, ClinGen allele CA339028441.

ClinVar aggregate classification (germline): Likely pathogenic. Review status: criteria provided, multiple submitters, no conflicts (2 of 4 stars). 2 submissions from 2 submitters: Likely pathogenic (2). Last evaluated 2025-01-15.

Conditions:
Deficiency of hydroxymethylglutaryl-CoA lyase (HMGCLD). Also called: HMGCL DEFICIENCY; HYDROXYMETHYLGLUTARIC ACIDURIA; Defect in leucine metabolism; 3-hydroxy-3-methylglutaric aciduria; HMG-CoA LYASE DEFICIENCY. Identifiers: Orphanet 20, MedGen C1533587, MONDO:0009520, OMIM 246450.

gnomAD v4.1: 1 of 1,586,892 alleles (0.000063%); highest among the groups gnomAD compares: Admixed American, 0.0017%; no homozygotes.

Submissions (2):

Myriad Genetics, Inc.
Classification: Likely pathogenic for Deficiency of hydroxymethylglutaryl-CoA lyase. Last evaluated: 2025-01-15. Review status: criteria provided, single submitter. Criteria: Myriad Autosomal Dominant, Autosomal Recessive and X-Linked Classification Criteria (2023). Collection method: clinical testing. Allele origin: unknown.
Comment: NM_000191.2(HMGCL):c.348+1G>C is a variant in a canonical splice site classified as likely pathogenic in the context of HMG-CoA lyase deficiency. c.348+1G>C has been observed in a case with relevant disease (PMID: Abduwanke_2016_(Article)). Relevant functional assessments of this variant are not available in the literature. c.348+1G>C has been observed in referenced population frequency databases. In summary, NM_000191.2(HMGCL):c.348+1G>C is a variant in a canonical splice site that has been observed more frequently in cases with the relevant disease than in healthy populations. Please note: this variant was assessed in the context of healthy population screening.

Baylor Genetics
Classification: Likely pathogenic for Deficiency of hydroxymethylglutaryl-CoA lyase. Last evaluated: 2023-12-14. Review status: criteria provided, single submitter. Criteria: ACMG Guidelines, 2015. Collection method: clinical testing. Allele origin: unknown.